The following is an entry in ClinVar:

NM_000257.4(MYH7):c.3337-316C>A

Gene: MYH7 (myosin heavy chain 7; minus strand). Cytogenetic location: 14q11.2.
Variant type: single nucleotide variant.
Coding change: c.3337-316C>A on transcript NM_000257.4 (MANE Select); 316 bases into the intron before coding-DNA position 3337, C replaced by A.
Molecular consequence: intron variant.
Genome position (GRCh38, 1-based): chr14:23,420,550, G>T on the plus strand (C>A on the coding strand, the complement: MYH7 is on the minus strand). VCF-style: chr14-23420550-G-T. GRCh37 (hg19) VCF-style: chr14-23889759-G-T.
Identifiers: ClinVar variation 680995 (VCV000680995.1), dbSNP rs147697314, ClinGen allele CA257816137.

ClinVar aggregate classification (germline): Likely benign (1 of 4 stars; one submission).

Allele frequency attached by ClinVar (database versions not stated): 1000 Genomes Project 0.00379; 1000 Genomes Project 30x 0.00390; TOPMed 0.00463.
gnomAD v4.1: 640 of 152,316 alleles (0.42%); highest among the groups gnomAD compares: African/African-American, 1.4%; 7 homozygotes.

Submission:

GeneDx
Classification: Likely benign. Last evaluated: 2018-06-19. Review status: criteria provided, single submitter. Criteria: GeneDx Variant Classification (06012015). Collection method: clinical testing. Allele origin: germline. Affected: yes.
Comment: This variant is considered likely benign or benign based on one or more of the following criteria: it is a conservative change, it occurs at a poorly conserved position in the protein, it is predicted to be benign by multiple in silico algorithms, and/or has population frequency not consistent with disease.